The following is an entry in ClinVar:

ClinVar aggregate classification (germline): Pathogenic. Review status: criteria provided, multiple submitters, no conflicts (2 of 4 stars). 10 submissions from 10 submitters: Pathogenic (9). 1 of the submissions does not count toward it. Last evaluated 2025-12-15.

Conditions:
Neurofibromatosis, type 1 (NF1). Also called: NEUROFIBROMATOSIS, TYPE I, SOMATIC; Peripheral type neurofibromatosis; Neurofibromatosis, type I; VON RECKLINGHAUSEN DISEASE. Identifiers: Orphanet 636, MedGen C0027831, MONDO:0018975, OMIM 162200. Disease mechanism: loss of function.
NF1-related disorder. Also called: NF1-related condition. Identifiers: MedGen CN379171.
Hereditary cancer-predisposing syndrome. Also called: Tumor predisposition; Hereditary Cancer Syndrome; Neoplastic Syndromes, Hereditary; Hereditary neoplastic syndrome. Identifiers: Orphanet 140162, MedGen C0027672, MeSH D009386, MONDO:0015356.
Cardiovascular phenotype. Identifiers: MedGen CN230736.

Submissions (10):

Institute of Medical Genetics and Applied Genomics, University Hospital Tübingen
Classification: Pathogenic for Neurofibromatosis, type 1. Last evaluated: 2025-12-15. Review status: criteria provided, single submitter. Criteria: ACMG Guidelines, 2015. Collection method: clinical testing. Allele origin: germline. Inheritance: Autosomal dominant inheritance. Affected: yes.

Myriad Genetics, Inc.
Classification: Pathogenic for Neurofibromatosis, type 1. Last evaluated: 2025-11-26. Review status: criteria provided, single submitter. Criteria: Myriad Autosomal Dominant, Autosomal Recessive and X-Linked Classification Criteria (2023). Collection method: clinical testing. Allele origin: unknown.
Comment: This variant is considered pathogenic. This variant creates a termination codon and is predicted to result in premature protein truncation.

Labcorp Genetics (formerly Invitae), Labcorp
Classification: Pathogenic for Neurofibromatosis, type 1. Last evaluated: 2025-11-21. Review status: criteria provided, single submitter. Criteria: Invitae Variant Classification Sherloc (09022015). Collection method: clinical testing. Allele origin: germline.
Comment: This sequence change creates a premature translational stop signal (p.Asn2364*) in the NF1 gene. It is expected to result in an absent or disrupted protein product. Loss-of-function variants in NF1 are known to be pathogenic (PMID: 10712197, 23913538). This variant is not present in population databases (gnomAD no frequency). This premature translational stop signal has been observed in individual(s) with clinical features of neurofibromatosis type 1 (PMID: 23913538). Invitae Evidence Modeling of clinical and family history, age, sex, and reported ancestry of multiple individuals with this NF1 variant has been performed. This variant is expected to be pathogenic with a positive predictive value of at least 99%. This is a validated machine learning model that incorporates the clinical features of 1,785,918 individuals referred to our laboratory for NF1 testing. ClinVar contains an entry for this variant (Variation ID: 492888). For these reasons, this variant has been classified as Pathogenic.

KCCC/NGS Laboratory, Kuwait Cancer Control Center
Classification: Pathogenic for Neurofibromatosis, type 1. Last evaluated: 2024-10-08. Review status: criteria provided, single submitter. Criteria: ACMG Guidelines, 2015. Collection method: clinical testing. Allele origin: germline. Inheritance: Autosomal dominant inheritance. Affected: yes. Observed: 1 heterozygote.
Comment: This sequence change creates a premature translational stop signal (p.Asn2364*) in the NF1 gene results from a duplication of T at nucleotide position 7152. It is expected to result in an absent or disrupted protein product. Loss-of-function variants in NF1 are known to be pathogenic (PMID: 10712197, 23913538). This variant is not present in population databases (gnomAD no frequency). This premature translational stop signal has been observed in individual(s) with clinical features of neurofibromatosis type 1 (PMID: 23913538, 31370276, 31776437). ClinVar contains an entry for this variant (Variation ID: 492888). This alteration was detected in one individual who meets NIH criteria for neurofibromatosis type 1 (Sabbagh A et al. Hum. Mutat., 2013 Nov;34:1510-8). For these reasons, this variant has been classified as Pathogenic.Pathogenic mutations in the NF1 are known to cause neurofibromatosis type I.

Mayo Clinic Laboratories, Mayo Clinic
Classification: Pathogenic. Last evaluated: 2024-07-08. Review status: criteria provided, single submitter. Criteria: ACMG Guidelines, 2015. Collection method: clinical testing. Allele origin: germline. Observed: 2 variant alleles.
Comment: PP4, PM2, PVS1

GeneDx
Classification: Pathogenic. Last evaluated: 2023-11-20. Review status: criteria provided, single submitter. Criteria: GeneDx Variant Classification Process June 2021. Collection method: clinical testing. Allele origin: germline. Affected: yes.
Comment: Nonsense variant predicted to result in protein truncation or nonsense mediated decay in a gene for which loss-of-function is a known mechanism of disease; Not observed at significant frequency in large population cohorts (gnomAD); This variant is associated with the following publications: (PMID: 23913538, 31370276, 31776437)

Ambry Genetics
Classification: Pathogenic for Cardiovascular phenotype; Hereditary cancer-predisposing syndrome. Last evaluated: 2023-09-19. Review status: criteria provided, single submitter. Criteria: Ambry Variant Classification Scheme 2023. Collection method: clinical testing. Allele origin: germline.
Comment: The c.7089dupT variant, located in coding exon 47 of the NF1 gene, results from a duplication of T at nucleotide position 7089, causing a translational frameshift with a predicted alternate stop codon (p.N2364*). This alteration was detected in one individual who meets NIH criteria for neurofibromatosis type 1 (Sabbagh A et al. Hum. Mutat., 2013 Nov;34:1510-8). In addition to the clinical data, this alteration is expected to result in loss of function by premature protein truncation or nonsense-mediated mRNA decay. As such, this alteration is interpreted as a disease-causing mutation.

Blueprint Genetics
Classification: Pathogenic for NF1-related disorders. Last evaluated: 2022-12-23. Review status: criteria provided, single submitter. Criteria: ACMG Guidelines, 2015. Collection method: clinical testing. Allele origin: germline. Affected: yes. Observed: 1 variant allele.

Genome-Nilou Lab
Classification: Pathogenic for Neurofibromatosis, type 1. Last evaluated: 2022-03-15. Review status: criteria provided, single submitter. Criteria: ACMG Guidelines, 2015. Collection method: clinical testing. Allele origin: germline. Affected: no.

Clinical Molecular Genetics Laboratory, Johns Hopkins All Children's Hospital
Classification: Pathogenic for Neurofibromatosis, type 1. Last evaluated: 2016-07-21. Review status: no assertion criteria provided. Collection method: clinical testing. Allele origin: germline. Affected: yes. Not counted in ClinVar's aggregate classification.

Literature cited by the submitters: PubMed 10712197 (cited by Labcorp Genetics (formerly Invitae), Labcorp and Mayo Clinic Laboratories, Mayo Clinic); PubMed 23913538 (cited by Labcorp Genetics (formerly Invitae), Labcorp and Mayo Clinic Laboratories, Mayo Clinic); PubMed 31370276 (cited by Mayo Clinic Laboratories, Mayo Clinic).

NM_001042492.3(NF1):c.7152dup (p.Asn2385Ter)

Gene: NF1 (neurofibromin 1; plus strand). Cytogenetic location: 17q11.2.
Variant type: Duplication.
Coding change: c.7152dup on transcript NM_001042492.3 (MANE Select); coding-DNA position 7152, one base duplicated (T; older notation c.7152dupT).
Protein change: p.Asn2385Ter; replaces asparagine 2385 with a stop codon.
Molecular consequence: nonsense. On other transcripts: frameshift variant (1).
Genome position (GRCh38, 1-based): chr17:31,343,098, T duplicated. VCF-style (leftmost placement, unchanged base first): chr17-31343097-C-CT. GRCh37 (hg19) VCF-style: chr17-29670115-C-CT.
Other names: p.Asn2364*; c.7089dup, p.Asn2364Terfs (NM_000267.4); c.7089dupT (NM_000267.3); short protein forms N2385*, N2364*.
Identifiers: ClinVar variation 492888 (VCV000492888.18), dbSNP rs1555535434, ClinGen allele CA658684021.